The following is an entry in ClinVar:

ClinVar aggregate classification (germline): Conflicting classifications of pathogenicity. Review status: criteria provided, conflicting classifications (1 of 4 stars). 2 submissions from 2 submitters: Uncertain significance (1); Likely benign (1). Last evaluated 2019-12-18.

Conditions:
Autosomal recessive limb-girdle muscular dystrophy type 2J (LGMDR10). Also called: Limb-girdle muscular dystrophy, type 2J; MUSCULAR DYSTROPHY, LIMB-GIRDLE, AUTOSOMAL RECESSIVE 10. Identifiers: Orphanet 140922, MedGen C1837342, MONDO:0012127, OMIM 608807.
Dilated cardiomyopathy 1G (CMD1G). Identifiers: Orphanet 154, MedGen C1858763, MONDO:0011400, OMIM 604145.
Cardiovascular phenotype. Identifiers: MedGen CN230736.

Allele frequency attached by ClinVar (database versions not stated): ExAC 0.00001; gnomAD exomes 0.00001; TOPMed 0.00002.
gnomAD v4.1: 8 of 1,613,736 alleles (0.0005%); highest among the groups gnomAD compares: Middle Eastern, 0.016%; no homozygotes.

Submissions (3):

Ambry Genetics
Classification: Likely benign for Cardiovascular phenotype. Last evaluated: 2019-12-18. Review status: criteria provided, single submitter. Criteria: Ambry Variant Classification Scheme 2023. Collection method: clinical testing. Allele origin: germline.

Labcorp Genetics (formerly Invitae), Labcorp
Classification: Uncertain significance for Dilated cardiomyopathy 1G; Autosomal recessive limb-girdle muscular dystrophy type 2J. Last evaluated: 2018-03-07. Review status: criteria provided, single submitter. Criteria: Invitae Variant Classification Sherloc (09022015). Collection method: clinical testing. Allele origin: germline.
Comment: This sequence change affects codon 35021 of the TTN mRNA. It is a 'silent' change, meaning that it does not change the encoded amino acid sequence of the TTN protein. This variant is present in population databases (rs757125254, ExAC 0.001%). This variant has not been reported in the literature in individuals with TTN-related disease. This variant identified in the TTN gene is located in the M band of the resulting protein (PMID: 25589632). It is unclear how this variant impacts the function of this protein. Algorithms developed to predict the effect of sequence changes on RNA splicing suggest that this variant may create or strengthen a splice site, but this prediction has not been confirmed by published transcriptional studies. In summary, this variant is a novel missense change with unknown impact on protein function. Missense variants in this region of the TTN gene are typically not causative for cardiac disease, but may be relevant for neuromuscular disorders. However, the available evidence is currently insufficient to determine this variant‚Äôs role in disease. Therefore, it has been classified as a Variant of Uncertain Significance

Dr. Peter K. Rogan Lab, Western University
No classification provided (evidence only). Condition: Ovarian serous cystadenocarcinoma. Review status: no classification provided. Collection method: in vitro. Allele origin: not applicable. Functional consequence: retained intron. Not counted in ClinVar's aggregate classification.

Literature cited by the submitters: PubMed 25589632 (cited by Labcorp Genetics (formerly Invitae), Labcorp).

NM_001267550.2(TTN):c.105063C>T (p.Gly35021=)

Genes: TTN (titin; minus strand), TTN-AS1 (TTN antisense RNA 1; plus strand). Cytogenetic location: 2q31.2.
Variant type: single nucleotide variant.
Coding change: c.105063C>T on transcript NM_001267550.2 (MANE Select); coding-DNA position 105063, C replaced by T.
Protein change: p.Gly35021=; no amino-acid change (glycine 35021 retained).
Molecular consequence: synonymous variant.
Genome position (GRCh38, 1-based): chr2:178,531,552, G>A on the plus strand (C>T on the coding strand, the complement: TTN is on the minus strand). VCF-style: chr2-178531552-G-A. GRCh37 (hg19) VCF-style: chr2-179396279-G-A.
Other names: c.100140C>T, p.Gly33380= (NM_001256850.1); c.77868C>T, p.Gly25956= (NM_003319.4); c.97359C>T, p.Gly32453= (NM_133378.4); c.78243C>T, p.Gly26081= (NM_133432.3); c.78444C>T, p.Gly26148= (NM_133437.4).
Identifiers: ClinVar variation 1760616 (VCV001760616.5), dbSNP rs757125254, ClinGen allele CA1985318.